The following is an entry in ClinVar:

ClinVar aggregate classification (germline): Uncertain significance (1 of 4 stars; one submission).

gnomAD v4.1: 2 of 1,602,100 alleles (0.00012%); highest among the groups gnomAD compares: Admixed American, 0.0034%; no homozygotes.

Submission:

Labcorp Genetics (formerly Invitae), Labcorp
Classification: Uncertain significance. Last evaluated: 2024-07-16. Review status: criteria provided, single submitter. Criteria: Invitae Variant Classification Sherloc (09022015). Collection method: clinical testing. Allele origin: germline.
Comment: This sequence change replaces isoleucine, which is neutral and non-polar, with leucine, which is neutral and non-polar, at codon 10 of the KIDINS220 protein (p.Ile10Leu). This variant is present in population databases (no rsID available, gnomAD 0.006%). This variant has not been reported in the literature in individuals affected with KIDINS220-related conditions. An algorithm developed to predict the effect of missense changes on protein structure and function outputs the following: PolyPhen-2: "Benign". The leucine amino acid residue is found in multiple mammalian species, which suggests that this missense change does not adversely affect protein function. In summary, the available evidence is currently insufficient to determine the role of this variant in disease. Therefore, it has been classified as a Variant of Uncertain Significance.

NM_020738.4(KIDINS220):c.28A>C (p.Ile10Leu)

Gene: KIDINS220 (kinase D interacting substrate 220; minus strand). Cytogenetic location: 2p25.1.
Variant type: single nucleotide variant.
Coding change: c.28A>C on transcript NM_020738.4 (MANE Select); coding-DNA position 28, A replaced by C.
Protein change: p.Ile10Leu; replaces isoleucine 10 with leucine.
Molecular consequence: missense variant. On other transcripts: 5 prime UTR variant (1), non-coding transcript variant (2).
Genome position (GRCh38, 1-based): chr2:8,827,066, T>G on the plus strand (A>C on the coding strand, the complement: KIDINS220 is on the minus strand). VCF-style: chr2-8827066-T-G. GRCh37 (hg19) VCF-style: chr2-8967196-T-G.
Other names: c.28A>C, p.Ile10Leu (NM_001348729.2, NM_001348731.2, NM_001348732.2 and 9 more transcripts); c.-270A>C (NM_001348736.2); short protein forms I10L.
Identifiers: ClinVar variation 3621906 (VCV003621906.2).